The following is an entry in ClinVar:

ClinVar aggregate classification (germline): Conflicting classifications of pathogenicity. Review status: criteria provided, conflicting classifications (1 of 4 stars). 2 submissions from 2 submitters: Uncertain significance (1); Likely benign (1). Last evaluated 2025-04-28.

Conditions:
Hereditary cancer-predisposing syndrome. Also called: Tumor predisposition; Hereditary Cancer Syndrome; Hereditary neoplastic syndrome; Neoplastic Syndromes, Hereditary. Identifiers: Orphanet 140162, MedGen C0027672, MeSH D009386, MONDO:0015356.
EGFR-related lung cancer (EGFR). Identifiers: MedGen CN130014.

Allele frequency attached by ClinVar (database versions not stated): gnomAD 0.00001; gnomAD exomes 0.00001; ExAC 0.00002.
gnomAD v4.1: 14 of 1,614,036 alleles (0.00087%); highest among the groups gnomAD compares: South Asian, 0.014%; no homozygotes.

Submissions (2):

Ambry Genetics
Classification: Uncertain significance for Hereditary cancer-predisposing syndrome. Last evaluated: 2025-04-28. Review status: criteria provided, single submitter. Criteria: Ambry Variant Classification Scheme 2023. Collection method: clinical testing. Allele origin: germline.
Comment: The c.2634C>T variant (also known as p.I878I), located in coding exon 22 of the EGFR gene, results from a C to T substitution at nucleotide position 2634. This nucleotide substitution does not change the isoleucine at codon 878. This nucleotide position is not well conserved in available vertebrate species. In silico splice site analysis predicts that this alteration may weaken the native splice acceptor site. Based on the available evidence, the clinical significance of this variant remains unclear.

Labcorp Genetics (formerly Invitae), Labcorp
Classification: Likely benign for EGFR-related lung cancer. Last evaluated: 2024-06-10. Review status: criteria provided, single submitter. Criteria: Invitae Variant Classification Sherloc (09022015). Collection method: clinical testing. Allele origin: germline.

NM_005228.5(EGFR):c.2634C>T (p.Ile878=)

Gene: EGFR (epidermal growth factor receptor; plus strand). Cytogenetic location: 7p11.2.
Variant type: single nucleotide variant.
Coding change: c.2634C>T on transcript NM_005228.5 (MANE Select); coding-DNA position 2634, C replaced by T.
Protein change: p.Ile878=; no amino-acid change (isoleucine 878 retained).
Molecular consequence: synonymous variant.
Genome position (GRCh38, 1-based): chr7:55,192,774, C>T. VCF-style: chr7-55192774-C-T. GRCh37 (hg19) VCF-style: chr7-55260467-C-T.
Other names: c.2499C>T, p.Ile833= (NM_001346897.2, NM_001346899.2); c.2634C>T, p.Ile878= (NM_001346898.2); c.2475C>T, p.Ile825= (NM_001346900.2); c.1833C>T, p.Ile611= (NM_001346941.2).
Identifiers: ClinVar variation 1989301 (VCV001989301.5), dbSNP rs757939047, ClinGen allele CA4266137.